The following is an entry in ClinVar:

NM_001399.5(EDA):c.822G>T (p.Trp274Cys)

Gene: EDA (ectodysplasin A; plus strand). Cytogenetic location: Xq13.1.
Variant type: single nucleotide variant.
Coding change: c.822G>T on transcript NM_001399.5 (MANE Select); coding-DNA position 822, G replaced by T.
Protein change: p.Trp274Cys; replaces tryptophan 274 with cysteine.
Molecular consequence: missense variant.
Genome position (GRCh38, 1-based): chrX:70,033,426, G>T. VCF-style: chrX-70033426-G-T. GRCh37 (hg19) VCF-style: chrX-69253276-G-T.
Other names: c.822G>T, p.Trp274Cys (NM_001005609.2); c.813G>T, p.Trp271Cys (NM_001005612.3); short protein forms W274C, W271C.
Identifiers: ClinVar variation 44209 (VCV000044209.4), dbSNP rs397516675, ClinGen allele CA261505.

ClinVar aggregate classification (germline): Likely pathogenic (1 of 4 stars; one submission).

Conditions:
Hypohidrotic X-linked ectodermal dysplasia (XHED). Also called: Anhidrotic ectodermal dysplasia X-linked; Christ Siemens Touraine syndrome; ECTODERMAL DYSPLASIA 1, HYPOHIDROTIC, X-LINKED; ECTODERMAL DYSPLASIA 1, HYPOHIDROTIC/HAIR/TOOTH TYPE, X-LINKED; ECTODERMAL DYSPLASIA, HYPOHIDROTIC, 1; CST SYNDROME. Identifiers: Orphanet 181, Orphanet 238468, MedGen C0162359, MONDO:0010585, OMIM 305100.

Submission:

Laboratory for Molecular Medicine, Mass General Brigham Personalized Medicine
Classification: Likely pathogenic for Hypohidrotic X-linked ectodermal dysplasia. Last evaluated: 2011-07-22. Review status: criteria provided, single submitter. Criteria: LMM Criteria. Collection method: clinical testing. Allele origin: germline. Inheritance: X-linked inheritance. Observed: 1 variant allele.
Comment: The Trp274Cys variant in EDA has not been reported in the literature nor previou sly identified by our laboratory. However, different amino acid changes at the s ame position (Trp274Gly, Trp274Arg) have been identified in 3 individuals with X -linked hypohidrotic ectodermal dysplasia (Paakkonen 2001, Schneider 2001, Cluze au 2011). In addition, this residue is conserved across species and computation al analyses (PolyPhen2, SIFT, AlignGVGD) suggest that the Trp274Cys variant may impact the protein. The change to a Cysteine at position 274 is likely to create an equal or greater impact to the protein than the other two missense mutations making it likely that this mutation is also pathogenic. In summary, this varia nt is likely to be pathogenic.